The following is an entry in ClinVar:

ClinVar aggregate classification (germline): Uncertain significance (1 of 4 stars; one submission).

Allele frequency attached by ClinVar (database versions not stated): gnomAD exomes 0.00001 and 0.00003; ExAC 0.00003; gnomAD 0.00009 and 0.00010.
gnomAD v4.1: 19 of 1,199,109 alleles (0.0016%); highest among the groups gnomAD compares: African/African-American, 0.03%; no homozygotes.

Submission:

Labcorp Genetics (formerly Invitae), Labcorp
Classification: Uncertain significance. Last evaluated: 2025-04-01. Review status: criteria provided, single submitter. Criteria: Invitae Variant Classification Sherloc (09022015). Collection method: clinical testing. Allele origin: germline.
Comment: This sequence change replaces glutamine, which is neutral and polar, with histidine, which is basic and polar, at codon 74 of the POLA1 protein (p.Gln74His). The frequency data for this variant in the population databases is considered unreliable, as metrics indicate poor data quality at this position in the gnomAD database. This variant has not been reported in the literature in individuals affected with POLA1-related conditions. ClinVar contains an entry for this variant (Variation ID: 1436605). Invitae Evidence Modeling of protein sequence and biophysical properties (such as structural, functional, and spatial information, amino acid conservation, physicochemical variation, residue mobility, and thermodynamic stability) indicates that this missense variant is expected to disrupt POLA1 protein function with a positive predictive value of 80%. In summary, the available evidence is currently insufficient to determine the role of this variant in disease. Therefore, it has been classified as a Variant of Uncertain Significance.

NM_001330360.2(POLA1):c.240G>C (p.Gln80His)

Gene: POLA1 (DNA polymerase alpha 1, catalytic subunit; plus strand). Cytogenetic location: Xp22.11.
Variant type: single nucleotide variant.
Coding change: c.240G>C on transcript NM_001330360.2 (MANE Select); coding-DNA position 240, G replaced by C.
Protein change: p.Gln80His; replaces glutamine 80 with histidine.
Molecular consequence: missense variant. On other transcripts: non-coding transcript variant (1).
Genome position (GRCh38, 1-based): chrX:24,703,322, G>C. VCF-style: chrX-24703322-G-C. GRCh37 (hg19) VCF-style: chrX-24721439-G-C.
Other names: c.240G>C, p.Gln80His (NM_001378303.1); c.222G>C, p.Gln74His (NM_016937.4); short protein forms Q80H, Q74H.
Identifiers: ClinVar variation 1436605 (VCV001436605.6), dbSNP rs1031401008, ClinGen allele CA10372729.